The following is an entry in ClinVar:

NM_021625.5(TRPV4):c.1153-189G>A

Gene: TRPV4 (transient receptor potential cation channel subfamily V member 4; minus strand). Cytogenetic location: 12q24.11.
Variant type: single nucleotide variant.
Coding change: c.1153-189G>A on transcript NM_021625.5 (MANE Select); 189 bases into the intron before coding-DNA position 1153, G replaced by A.
Molecular consequence: intron variant.
Genome position (GRCh38, 1-based): chr12:109,796,893, C>T on the plus strand (G>A on the coding strand, the complement: TRPV4 is on the minus strand). VCF-style: chr12-109796893-C-T. GRCh37 (hg19) VCF-style: chr12-110234698-C-T.
Other names: c.1011+1721G>A (NM_001177433.1); c.1012-189G>A (NM_001177428.1); c.1152+1721G>A (NM_147204.2); c.1051-189G>A (NM_001177431.1).
Identifiers: ClinVar variation 670252 (VCV000670252.1), dbSNP rs3825396, ClinGen allele CA15764707.

ClinVar aggregate classification (germline): Benign (1 of 4 stars; one submission).

Allele frequency attached by ClinVar (database versions not stated): TOPMed 0.10468; gnomAD 0.10144 and 0.10395; 1000 Genomes Project 0.13558; 1000 Genomes Project 30x 0.13710.
gnomAD v4.1: 15,757 of 152,214 alleles (10%); highest among the groups gnomAD compares: South Asian, 18%; 1,021 homozygotes.

Submission:

GeneDx
Classification: Benign. Last evaluated: 2018-06-20. Review status: criteria provided, single submitter. Criteria: GeneDx Variant Classification (06012015). Collection method: clinical testing. Allele origin: germline. Affected: yes.
Comment: This variant is considered likely benign or benign based on one or more of the following criteria: it is a conservative change, it occurs at a poorly conserved position in the protein, it is predicted to be benign by multiple in silico algorithms, and/or has population frequency not consistent with disease.